The following is an entry in ClinVar:

ClinVar aggregate classification (germline): Uncertain significance (1 of 4 stars; one submission).

gnomAD v4.1: 2 of 1,607,262 alleles (0.00012%); highest among the groups gnomAD compares: Admixed American, 0.0033%; no homozygotes.

Submission:

Labcorp Genetics (formerly Invitae), Labcorp
Classification: Uncertain significance. Last evaluated: 2025-06-23. Review status: criteria provided, single submitter. Criteria: Invitae Variant Classification Sherloc (09022015). Collection method: clinical testing. Allele origin: germline.
Comment: This sequence change replaces alanine, which is neutral and non-polar, with serine, which is neutral and polar, at codon 766 of the SPTBN2 protein (p.Ala766Ser). This variant is present in population databases (rs374610687, gnomAD 0.007%). This variant has not been reported in the literature in individuals affected with SPTBN2-related conditions. Invitae Evidence Modeling of protein sequence and biophysical properties (such as structural, functional, and spatial information, amino acid conservation, physicochemical variation, residue mobility, and thermodynamic stability) indicates that this missense variant is not expected to disrupt SPTBN2 protein function with a negative predictive value of 80%. In summary, the available evidence is currently insufficient to determine the role of this variant in disease. Therefore, it has been classified as a Variant of Uncertain Significance.

NM_006946.4(SPTBN2):c.2296G>T (p.Ala766Ser)

Gene: SPTBN2 (spectrin beta, non-erythrocytic 2; minus strand). Cytogenetic location: 11q13.2.
Variant type: single nucleotide variant.
Coding change: c.2296G>T on transcript NM_006946.4 (MANE Select); coding-DNA position 2296, G replaced by T.
Protein change: p.Ala766Ser; replaces alanine 766 with serine.
Molecular consequence: missense variant.
Genome position (GRCh38, 1-based): chr11:66,704,980, C>A on the plus strand (G>T on the coding strand, the complement: SPTBN2 is on the minus strand). VCF-style: chr11-66704980-C-A. GRCh37 (hg19) VCF-style: chr11-66472451-C-A.
Other names: c.2317G>T, p.Ala773Ser (NM_001411025.1); c.2296G>T, p.Ala766Ser (NM_001437541.1); short protein forms A773S, A766S.
Identifiers: ClinVar variation 4765295 (VCV004765295.1).
Genomic context (GRCh38, chr11:66,704,980, plus strand): 5'-CTAGAGCCTGCGTGGAGAACTCGTCGTGCCCCAGCTCGGGGCTGGACACCAGGCGCAGTG[C>A]GTCAACCAACCAGGCCTCCATGTCGTTTGCATCGGCCTGGAACTGGTAGAGGCTGGCGGC-3'
Protein context (NP_008877.2, residues 756-776): ANDMEAWLVD[Ala766Ser]LRLVSSPELG